The following is an entry in ClinVar:

NM_000572.3(IL10):c.43G>A (p.Gly15Arg)

Genes: IL10 (interleukin 10; minus strand), IL19 (interleukin 19; plus strand), LOC128462409 (CRISPRi-FlowFISH-validated IL10 regulatory element GRCh37_chr1:206945468-206946089; plus strand). Cytogenetic location: 1q32.1.
Variant type: single nucleotide variant.
Coding change: c.43G>A on transcript NM_000572.3 (MANE Select); coding-DNA position 43, G replaced by A.
Protein change: p.Gly15Arg; replaces glycine 15 with arginine.
Molecular consequence: missense variant. On other transcripts: non-coding transcript variant (1), intron variant (2).
Genome position (GRCh38, 1-based): chr1:206,772,393, C>T on the plus strand (G>A on the coding strand, the complement: IL10 is on the minus strand). VCF-style: chr1-206772393-C-T. GRCh37 (hg19) VCF-style: chr1-206945738-C-T.
Other names: p.Gly15Arg; c.-149+1315C>T (NM_153758.5); c.-149+1563C>T (NM_001393490.1); short protein forms G15R.
Identifiers: ClinVar variation 456662 (VCV000456662.55), dbSNP rs145922845, ClinGen allele CA1363853.
Genomic context (GRCh38, chr1:206,772,393, plus strand): 5'-CTGGGAAGTGGGTGCAGCTGTTCTCAGACTGGGTGCCCTGGCCTGGGCTGGCCCTCACCC[C>T]AGTCAGGAGGACCAGGCAACAGAGCAGTGCTGAGCTGTGCATGCCTTCTTTTGCAAGTCT-3'
Protein context (NP_000563.1, residues 5-25): ALLCCLVLLT[Gly15Arg]VRASPGQGTQ

ClinVar aggregate classification (germline): Conflicting classifications of pathogenicity. Review status: criteria provided, conflicting classifications (1 of 4 stars). 8 submissions from 8 submitters: Uncertain significance (2); Benign (1); Likely benign (2). 3 of the submissions do not count toward it. Last evaluated 2026-02-01.

Conditions:
Susceptibility to HIV infection. Also called: Human immunodeficiency virus type 1, susceptibility to; HIV-1, SUSCEPTIBILITY TO; HUMAN IMMUNODEFICIENCY VIRUS TYPE 1, RESISTANCE TO. Identifiers: MedGen C1836230, MONDO:0004951, OMIM 609423.
Rheumatoid arthritis (RA). Also called: RHEUMATOID ARTHRITIS, SUSCEPTIBILITY TO. Identifiers: MedGen C0003873, MONDO:0008383, OMIM 180300, HP:0001370.
Graft-versus-host disease, susceptibility to (GVHDS). Identifiers: Orphanet 39812, MedGen C3280677, MONDO:0100048, OMIM 614395.
Inflammatory bowel disease. Identifiers: Orphanet 104012, MedGen C0021390, MONDO:0005265.

Allele frequency attached by ClinVar (database versions not stated): gnomAD 0.00177 and 0.00186; gnomAD exomes 0.00188 and 0.00325; ExAC 0.00189; ESP Exome Variant Server 0.00200; 1000 Genomes Project 30x 0.00016; 1000 Genomes Project 0.00020; TOPMed 0.00163.
gnomAD v4.1: 4,927 of 1,614,206 alleles (0.31%); highest among the groups gnomAD compares: Non-Finnish European, 0.39%; 11 homozygotes.

Submissions (8):

Labcorp Genetics (formerly Invitae), Labcorp
Classification: Benign for Inflammatory bowel disease. Last evaluated: 2026-02-01. Review status: criteria provided, single submitter. Criteria: Invitae Variant Classification Sherloc (09022015). Collection method: clinical testing. Allele origin: germline.

Mayo Clinic Laboratories, Mayo Clinic
Classification: Uncertain significance. Last evaluated: 2025-04-14. Review status: criteria provided, single submitter. Criteria: ACMG Guidelines, 2015. Collection method: clinical testing. Allele origin: germline. Observed: 6 variant alleles.
Comment: BP4, PS3_supporting

CeGaT Center for Human Genetics Tuebingen
Classification: Likely benign. Last evaluated: 2025-01-01. Review status: criteria provided, single submitter. Criteria: CeGaT Center For Human Genetics Tuebingen Variant Classification Criteria Version 2. Collection method: clinical testing. Allele origin: germline. Affected: yes. Observed: 7 variant alleles.
Comment: IL10: BP4

Blueprint Genetics
Classification: Likely benign. Last evaluated: 2024-11-19. Review status: criteria provided, single submitter. Criteria: ACMG Guidelines, 2015. Collection method: clinical testing. Allele origin: germline.

Center for Genomics, Ann and Robert H. Lurie Children's Hospital of Chicago
Classification: Uncertain significance for Rheumatoid arthritis; Graft-versus-host disease, susceptibility to; Susceptibility to HIV infection. Review status: criteria provided, single submitter. Criteria: ACMG Guidelines, 2015. Collection method: clinical testing. Allele origin: germline.
Comment: IL10 NM_000572.2 exon 1 p.Gly15Arg (c.43G>A): This variant has been reported in the literature in at least 2 individuals with inflammatory bowel disease (IBD), segregating with disease in 1 affected family member (van der Linde 2003 PMID:12825869, Christodolou 2013 PMID:22543157). However, this variant is present in 0.3% (430/126546) of European alleles in the Genome Aggregation Database. This variant is present in ClinVar (Variation ID:456662). This variant amino acid Arginine (Arg) is present in 3 mammals (Dolphin, Killer Whale, Megabat); this suggests that this variant may not impact the protein. Additional computational prediction tools do not suggest an impact. Of note, computational tools designed to predict splicing suggest a potential effect from this variant. However, further studies are needed to understand its impact. In addition, in vitro functional studies also suggest that this variant will impact the protein (van der Linde 2003 PMID:12825869). However, these studies may not accurately represent in vivo biological function. In summary, data on this variant is insufficient for disease classification. Therefore, the clinical significance of this variant is uncertain.

Clinical Genetics DNA and cytogenetics Diagnostics Lab, Erasmus MC, Erasmus Medical Center
Classification: Likely benign. Review status: no assertion criteria provided. Collection method: clinical testing. Allele origin: germline. Affected: yes. Study: VKGL Data-share Consensus. Not counted in ClinVar's aggregate classification.

Genome Diagnostics Laboratory, University Medical Center Utrecht
Classification: Likely benign. Review status: no assertion criteria provided. Collection method: clinical testing. Allele origin: germline. Affected: yes. Study: VKGL Data-share Consensus. Not counted in ClinVar's aggregate classification.

Laboratory of Diagnostic Genome Analysis, Leiden University Medical Center (LUMC)
Classification: Likely benign. Review status: no assertion criteria provided. Collection method: clinical testing. Allele origin: germline. Affected: yes. Study: VKGL Data-share Consensus. Not counted in ClinVar's aggregate classification.

Literature cited by the submitters: PubMed 11271474 (cited by Mayo Clinic Laboratories, Mayo Clinic); PubMed 12825869 (cited by Mayo Clinic Laboratories, Mayo Clinic); PubMed 15843082 (cited by Mayo Clinic Laboratories, Mayo Clinic); PubMed 18836448 (cited by Mayo Clinic Laboratories, Mayo Clinic); PubMed 22543157 (cited by Mayo Clinic Laboratories, Mayo Clinic).